The following is an entry in ClinVar:

NM_001330078.2(NRXN1):c.3365-109897G>C

Gene: NRXN1 (neurexin 1; minus strand). Cytogenetic location: 2p16.3.
Variant type: single nucleotide variant.
Coding change: c.3365-109897G>C on transcript NM_001330078.2 (MANE Select); 109897 bases into the intron before coding-DNA position 3365, G replaced by C.
Molecular consequence: intron variant. On other transcripts: missense variant (4).
Genome position (GRCh38, 1-based): chr2:50,346,867, C>G on the plus strand (G>C on the coding strand, the complement: NRXN1 is on the minus strand). VCF-style: chr2-50346867-C-G. GRCh37 (hg19) VCF-style: chr2-50574005-C-G.
Other names: c.83G>C, p.Gly28Ala (NM_001330091.2, NM_001330092.2, NM_001330097.2 and 1 more transcripts); c.3254-109897G>C (NM_001330096.2, NM_001330087.2); c.3299-109897G>C (NM_001330083.2, NM_001330084.2); c.3284-109897G>C (NM_001330088.2); c.3362-109897G>C (NM_001330093.2); c.3353-109897G>C (NM_001330094.2); c.3314-109897G>C (NM_001330095.2); c.3341-109897G>C (NM_001330082.2, NM_001330077.2); and 3 more; short protein forms G28A.
Identifiers: ClinVar variation 378299 (VCV000378299.8), dbSNP rs777054372, ClinGen allele CA1654560.

ClinVar aggregate classification (germline): Conflicting classifications of pathogenicity. Review status: criteria provided, conflicting classifications (1 of 4 stars). 2 submissions from 2 submitters: Uncertain significance (1); Likely benign (1). Last evaluated 2019-09-10.

Conditions:
Inborn genetic diseases. Identifiers: MedGen C0950123, MeSH D030342.

Allele frequency attached by ClinVar (database versions not stated): gnomAD 0.00003; TOPMed 0.00016.
gnomAD v4.1: 64 of 1,391,592 alleles (0.0046%); highest among the groups gnomAD compares: East Asian, 0.05%; no homozygotes.

Submissions (2):

GeneDx
Classification: Likely benign. Last evaluated: 2019-09-10. Review status: criteria provided, single submitter. Criteria: GeneDx Variant Classification Process June 2021. Collection method: clinical testing. Allele origin: germline. Affected: yes.

Ambry Genetics
Classification: Uncertain significance for Inborn genetic diseases. Last evaluated: 2016-11-30. Review status: criteria provided, single submitter. Criteria: Ambry Variant Classification Scheme 2023. Collection method: clinical testing. Allele origin: germline.
Comment: The p.G28A variant (also known as c.83G>C), located in coding exon 1 of the NRXN1 gene, results from a G to C substitution at nucleotide position 83. The glycine at codon 28 is replaced by alanine, an amino acid with similar properties. This variant has been identified in two individuals with autism spectrum disorder in the literature without a second alteration detected in the NRXN1 gene; in addition, one of these individuals was also heterozygous for a frameshift alteration in the SHANK3 gene (Yan J et al. Neurosci. Lett., 2008 Jun;438:368-70; Boccuto L et al. Eur. J. Hum. Genet., 2013 Mar;21:310-6). This amino acid position is highly conserved in available vertebrate species. In addition, this alteration is predicted to be tolerated by in silico analysis. Since supporting evidence is limited at this time, the clinical significance of this alteration remains unclear.

Literature cited by the submitters: PubMed 18490107 (cited by Ambry Genetics); PubMed 22892527 (cited by Ambry Genetics).